The following is an entry in ClinVar:

ClinVar aggregate classification (germline): Uncertain significance (1 of 4 stars; one submission).

Conditions:
Nemaline myopathy 10 (NEM10). Identifiers: MedGen C4015360, MONDO:0014513, OMIM 616165.

Allele frequency attached by ClinVar (database versions not stated): gnomAD 0.00001 and 0.00002; TOPMed 0.00002; gnomAD exomes 0.00003 and 0.00005; ExAC 0.00006.
gnomAD v4.1: 40 of 1,613,566 alleles (0.0025%); highest among the groups gnomAD compares: Middle Eastern, 0.049%; no homozygotes.

Submission:

Labcorp Genetics (formerly Invitae), Labcorp
Classification: Uncertain significance for Nemaline myopathy 10. Last evaluated: 2022-04-24. Review status: criteria provided, single submitter. Criteria: Invitae Variant Classification Sherloc (09022015). Collection method: clinical testing. Allele origin: germline.
Comment: In summary, the available evidence is currently insufficient to determine the role of this variant in disease. Therefore, it has been classified as a Variant of Uncertain Significance. Algorithms developed to predict the effect of missense changes on protein structure and function (SIFT, PolyPhen-2, Align-GVGD) all suggest that this variant is likely to be tolerated. ClinVar contains an entry for this variant (Variation ID: 863284). This variant has not been reported in the literature in individuals affected with LMOD3-related conditions. This variant is present in population databases (rs777262094, gnomAD 0.03%). This sequence change replaces leucine, which is neutral and non-polar, with valine, which is neutral and non-polar, at codon 48 of the LMOD3 protein (p.Leu48Val).

NM_198271.5(LMOD3):c.142C>G (p.Leu48Val)

Genes: LMOD3 (leiomodin 3; minus strand), LOC126806710 (CDK7 strongly-dependent group 2 enhancer GRCh37_chr3:69170601-69171800; plus strand). Cytogenetic location: 3p14.1.
Variant type: single nucleotide variant.
Coding change: c.142C>G on transcript NM_198271.5 (MANE Select); coding-DNA position 142, C replaced by G.
Protein change: p.Leu48Val; replaces leucine 48 with valine.
Molecular consequence: missense variant.
Genome position (GRCh38, 1-based): chr3:69,122,245, G>C on the plus strand (C>G on the coding strand, the complement: LMOD3 is on the minus strand). VCF-style: chr3-69122245-G-C. GRCh37 (hg19) VCF-style: chr3-69171396-G-C.
Other names: c.142C>G, p.Leu48Val (NM_001304418.3); short protein forms L48V.
Identifiers: ClinVar variation 863284 (VCV000863284.6), dbSNP rs777262094, ClinGen allele CA2489065.